The following is an entry in ClinVar:

NM_000083.3(CLCN1):c.61dup (p.Gln21fs)

Gene: CLCN1 (chloride voltage-gated channel 1; plus strand). Cytogenetic location: 7q34.
Variant type: Duplication.
Coding change: c.61dup on transcript NM_000083.3 (MANE Select); coding-DNA position 61, one base duplicated (C; older notation c.61dupC).
Protein change: p.Gln21fs; shifts the reading frame from glutamine 21.
Molecular consequence: frameshift variant. On other transcripts: non-coding transcript variant (1).
Genome position (GRCh38, 1-based): chr7:143,316,273, C duplicated; the last of 5 consecutive C bases (chr7:143,316,269-143,316,273); duplicating any one gives the same sequence. VCF-style (leftmost placement, unchanged base first): chr7-143316268-A-AC. GRCh37 (hg19) VCF-style: chr7-143013361-A-AC.
Other names: short protein forms Q21fs.
Identifiers: ClinVar variation 2110120 (VCV002110120.7), dbSNP rs2487015403, ClinGen allele CA2579050452.

ClinVar aggregate classification (germline): Pathogenic/Likely pathogenic. Review status: criteria provided, multiple submitters, no conflicts (2 of 4 stars). 2 submissions from 2 submitters: Pathogenic (1); Likely pathogenic (1). Last evaluated 2024-01-19.

Conditions:
Congenital myotonia, autosomal recessive form. Also called: BECKER DISEASE; Becker Generalized Myotonia; myotonia congenita, autosomal recessive. Identifiers: Orphanet 614, MedGen C0751360, MONDO:0009715, OMIM 255700.
Congenital myotonia, autosomal dominant form (THD). Also called: THOMSEN DISEASE; Myotonia congenita autosomal dominant. Identifiers: Orphanet 614, MedGen C2936781, MONDO:0008055, OMIM 160800.

Submissions (2):

Labcorp Genetics (formerly Invitae), Labcorp
Classification: Pathogenic for Congenital myotonia, autosomal recessive form; Congenital myotonia, autosomal dominant form. Last evaluated: 2024-01-19. Review status: criteria provided, single submitter. Criteria: Invitae Variant Classification Sherloc (09022015). Collection method: clinical testing. Allele origin: germline.
Comment: This sequence change creates a premature translational stop signal (p.Gln21Profs*8) in the CLCN1 gene. It is expected to result in an absent or disrupted protein product. Loss-of-function variants in CLCN1 are known to be pathogenic (PMID: 17932099, 22094069, 23739125). This variant is not present in population databases (gnomAD no frequency). This variant has not been reported in the literature in individuals affected with CLCN1-related conditions. ClinVar contains an entry for this variant (Variation ID: 2110120). For these reasons, this variant has been classified as Pathogenic.

Revvity Omics, Revvity
Classification: Likely pathogenic. Last evaluated: 2022-03-31. Review status: criteria provided, single submitter. Criteria: ACMG Guidelines, 2015. Collection method: clinical testing. Allele origin: germline.

Literature cited by the submitters: PubMed 17932099 (cited by Labcorp Genetics (formerly Invitae), Labcorp); PubMed 22094069 (cited by Labcorp Genetics (formerly Invitae), Labcorp); PubMed 23739125 (cited by Labcorp Genetics (formerly Invitae), Labcorp).